The following is an entry in ClinVar:

ClinVar aggregate classification (germline): Uncertain significance. Review status: criteria provided, multiple submitters, no conflicts (2 of 4 stars). 2 submissions from 2 submitters: Uncertain significance (2). Last evaluated 2024-05-30.

gnomAD v4.1: 1 of 1,613,576 alleles (0.000062%); highest among the groups gnomAD compares: Non-Finnish European, 0.000085%; no homozygotes.

Submissions (2):

GeneDx
Classification: Uncertain significance. Last evaluated: 2024-05-30. Review status: criteria provided, single submitter. Criteria: GeneDx Variant Classification Process June 2021. Collection method: clinical testing. Allele origin: germline. Affected: yes.
Comment: Nonsense variant predicted to result in protein truncation or nonsense mediated decay in a gene for which loss-of-function is not a known mechanism of disease; Not observed at significant frequency in large population cohorts (gnomAD); Has not been previously published as pathogenic or benign to our knowledge

Labcorp Genetics (formerly Invitae), Labcorp
Classification: Uncertain significance. Last evaluated: 2022-08-23. Review status: criteria provided, single submitter. Criteria: Invitae Variant Classification Sherloc (09022015). Collection method: clinical testing. Allele origin: germline.
Comment: In summary, the available evidence is currently insufficient to determine the role of this variant in disease. Therefore, it has been classified as a Variant of Uncertain Significance. ClinVar contains an entry for this variant (Variation ID: 962547). This variant has not been reported in the literature in individuals affected with MTOR-related conditions. This variant is not present in population databases (gnomAD no frequency). This sequence change creates a premature translational stop signal (p.Arg53*) in the MTOR gene. It is expected to result in an absent or disrupted protein product. However, the current clinical and genetic evidence is not sufficient to establish whether loss-of-function variants in MTOR cause disease.

NM_004958.4(MTOR):c.157C>T (p.Arg53Ter)

Gene: MTOR (mechanistic target of rapamycin kinase; minus strand). Cytogenetic location: 1p36.22.
Variant type: single nucleotide variant.
Coding change: c.157C>T on transcript NM_004958.4 (MANE Select); coding-DNA position 157, C replaced by T.
Protein change: p.Arg53Ter; replaces arginine 53 with a stop codon.
Molecular consequence: nonsense.
Genome position (GRCh38, 1-based): chr1:11,259,253, G>A on the plus strand (C>T on the coding strand, the complement: MTOR is on the minus strand). VCF-style: chr1-11259253-G-A. GRCh37 (hg19) VCF-style: chr1-11319310-G-A.
Other names: short protein forms R53*.
Identifiers: ClinVar variation 962547 (VCV000962547.8), dbSNP rs754392569, ClinGen allele CA338405088.